The following is an entry in ClinVar:

ClinVar aggregate classification (germline): Uncertain significance. Review status: criteria provided, multiple submitters, no conflicts (2 of 4 stars). 2 submissions from 2 submitters: Uncertain significance (2). Last evaluated 2022-08-04.

Conditions:
Cardiovascular phenotype. Identifiers: MedGen CN230736.
Hereditary cancer-predisposing syndrome. Also called: Hereditary neoplastic syndrome; Neoplastic Syndromes, Hereditary; Tumor predisposition; Hereditary Cancer Syndrome. Identifiers: Orphanet 140162, MedGen C0027672, MeSH D009386, MONDO:0015356.
Neurofibromatosis, type 1 (NF1). Also called: VON RECKLINGHAUSEN DISEASE; Peripheral type neurofibromatosis; NEUROFIBROMATOSIS, TYPE I, SOMATIC; Neurofibromatosis, type I. Identifiers: Orphanet 636, MedGen C0027831, MONDO:0018975, OMIM 162200. Disease mechanism: loss of function.

Allele frequency attached by ClinVar (database versions not stated): gnomAD exomes below 0.00001.
gnomAD v4.1: 1 of 1,613,900 alleles (0.000062%); highest among the groups gnomAD compares: Non-Finnish European, 0.000085%; no homozygotes.

Submissions (2):

Labcorp Genetics (formerly Invitae), Labcorp
Classification: Uncertain significance for Neurofibromatosis, type 1. Last evaluated: 2022-08-04. Review status: criteria provided, single submitter. Criteria: Invitae Variant Classification Sherloc (09022015). Collection method: clinical testing. Allele origin: germline.
Comment: This sequence change replaces lysine, which is basic and polar, with glutamic acid, which is acidic and polar, at codon 936 of the NF1 protein (p.Lys936Glu). In summary, the available evidence is currently insufficient to determine the role of this variant in disease. Therefore, it has been classified as a Variant of Uncertain Significance. Advanced modeling of protein sequence and biophysical properties (such as structural, functional, and spatial information, amino acid conservation, physicochemical variation, residue mobility, and thermodynamic stability) performed at Invitae indicates that this missense variant is expected to disrupt NF1 protein function. ClinVar contains an entry for this variant (Variation ID: 480172). This variant has not been reported in the literature in individuals affected with NF1-related conditions. This variant is not present in population databases (gnomAD no frequency).

Ambry Genetics
Classification: Uncertain significance for Cardiovascular phenotype; Hereditary cancer-predisposing syndrome. Last evaluated: 2016-11-04. Review status: criteria provided, single submitter. Criteria: Ambry Variant Classification Scheme 2023. Collection method: clinical testing. Allele origin: germline.
Comment: The p.K936E variant (also known as c.2806A>G), located in coding exon 21 of the NF1 gene, results from an A to G substitution at nucleotide position 2806. The lysine at codon 936 is replaced by glutamic acid, an amino acid with similar properties. This variant was not reported in population based cohorts in the following databases: Database of Single Nucleotide Polymorphisms (dbSNP), NHLBI Exome Sequencing Project (ESP), and 1000 Genomes Project. In the ESP, this variant was not observed in 6502 samples (13004 alleles) with coverage at this position. To date, this alteration has been detected with an allele frequency of approximately 0.001% (greater than 175000 alleles tested) in our clinical cohort. This amino acid position is highly conserved in available vertebrate species. In addition, this alteration is predicted to be deleterious by in silico analysis. Since supporting evidence is limited at this time, the clinical significance of this alteration remains unclear.

NM_001042492.3(NF1):c.2806A>G (p.Lys936Glu)

Gene: NF1 (neurofibromin 1; plus strand). Cytogenetic location: 17q11.2.
Variant type: single nucleotide variant.
Coding change: c.2806A>G on transcript NM_001042492.3 (MANE Select); coding-DNA position 2806, A replaced by G.
Protein change: p.Lys936Glu; replaces lysine 936 with glutamic acid.
Molecular consequence: missense variant.
Genome position (GRCh38, 1-based): chr17:31,229,421, A>G. VCF-style: chr17-31229421-A-G. GRCh37 (hg19) VCF-style: chr17-29556439-A-G.
Other names: c.2806A>G, p.Lys936Glu (NM_000267.4); short protein forms K936E.
Identifiers: ClinVar variation 480172 (VCV000480172.11), dbSNP rs1555614345, ClinGen allele CA398985713.